The following is an entry in ClinVar:

ClinVar aggregate classification (germline): Uncertain significance (1 of 4 stars; one submission).

gnomAD v4.1: 2 of 1,614,224 alleles (0.00012%); highest among the groups gnomAD compares: Non-Finnish European, 0.00017%; no homozygotes.

Submission:

Labcorp Genetics (formerly Invitae), Labcorp
Classification: Uncertain significance. Last evaluated: 2023-02-14. Review status: criteria provided, single submitter. Criteria: Invitae Variant Classification Sherloc (09022015). Collection method: clinical testing. Allele origin: germline.
Comment: This sequence change replaces threonine, which is neutral and polar, with isoleucine, which is neutral and non-polar, at codon 404 of the IRF2BP2 protein (p.Thr404Ile). In summary, the available evidence is currently insufficient to determine the role of this variant in disease. Therefore, it has been classified as a Variant of Uncertain Significance. Algorithms developed to predict the effect of missense changes on protein structure and function are either unavailable or do not agree on the potential impact of this missense change (SIFT: "Tolerated"; PolyPhen-2: "Probably Damaging"; Align-GVGD: "Class C0"). This variant has not been reported in the literature in individuals affected with IRF2BP2-related conditions. This variant is not present in population databases (gnomAD no frequency).

NM_182972.3(IRF2BP2):c.1211C>T (p.Thr404Ile)

Gene: IRF2BP2 (interferon regulatory factor 2 binding protein 2; minus strand). Cytogenetic location: 1q42.3.
Variant type: single nucleotide variant.
Coding change: c.1211C>T on transcript NM_182972.3 (MANE Select); coding-DNA position 1211, C replaced by T.
Protein change: p.Thr404Ile; replaces threonine 404 with isoleucine.
Molecular consequence: missense variant.
Genome position (GRCh38, 1-based): chr1:234,607,690, G>A on the plus strand (C>T on the coding strand, the complement: IRF2BP2 is on the minus strand). VCF-style: chr1-234607690-G-A. GRCh37 (hg19) VCF-style: chr1-234743436-G-A.
Other names: c.1163C>T, p.Thr388Ile (NM_001077397.1); short protein forms T404I, T388I.
Identifiers: ClinVar variation 2808603 (VCV002808603.3), dbSNP rs1672200261, ClinGen allele CA345306663.
Genomic context (GRCh38, chr1:234,607,690, plus strand): 5'-GGGGACTGGCCATTCTGGGCCGCTTCAGGCGGTGTGGTCCGGTTGGAATGAGGTGAGGCA[G>A]TGGGTGGTGGCGGAGACACAAAAGAGGATGTAGGAGTCATGGGGATCTTGAGCCCCTCTG-3'
Protein context (NP_892017.2, residues 394-414): TSSFVSPPPP[Thr404Ile]ASPHSNRTTP